The following is an entry in ClinVar:

ClinVar aggregate classification (germline): Benign/Likely benign. Review status: criteria provided, multiple submitters, no conflicts (2 of 4 stars). 4 submissions from 4 submitters: Benign (2); Likely benign (2). Last evaluated 2025-12-30.

Conditions:
Joubert syndrome 21 (JBTS21). Identifiers: MedGen C3810212, MONDO:0014288, OMIM 615636.

Allele frequency attached by ClinVar (database versions not stated): TOPMed 0.00045; ESP Exome Variant Server 0.00075; 1000 Genomes Project 30x 0.00109; 1000 Genomes Project 0.00120; gnomAD exomes 0.00138 and 0.00236; gnomAD 0.00172 and 0.00183; ExAC 0.00221.
gnomAD v4.1: 2,264 of 1,612,046 alleles (0.14%); highest among the groups gnomAD compares: Non-Finnish European, 0.1%; 7 homozygotes.

Submissions (4):

Labcorp Genetics (formerly Invitae), Labcorp
Classification: Benign for Joubert syndrome 21. Last evaluated: 2025-12-30. Review status: criteria provided, single submitter. Criteria: Invitae Variant Classification Sherloc (09022015). Collection method: clinical testing. Allele origin: germline.

Blueprint Genetics
Classification: Likely benign. Last evaluated: 2024-11-21. Review status: criteria provided, single submitter. Criteria: ACMG Guidelines, 2015. Collection method: clinical testing. Allele origin: germline.

GeneDx
Classification: Likely benign. Last evaluated: 2018-06-19. Review status: criteria provided, single submitter. Criteria: GeneDx Variant Classification (06012015). Collection method: clinical testing. Allele origin: germline. Affected: yes.
Comment: This variant is considered likely benign or benign based on one or more of the following criteria: it is a conservative change, it occurs at a poorly conserved position in the protein, it is predicted to be benign by multiple in silico algorithms, and/or has population frequency not consistent with disease.

Genetic Services Laboratory, University of Chicago
Classification: Benign. Last evaluated: 2017-11-09. Review status: criteria provided, single submitter. Criteria: ACMG Guidelines, 2015. Collection method: clinical testing. Allele origin: germline. Affected: no.

NM_001382391.1(CSPP1):c.965A>G (p.His322Arg)

Gene: CSPP1 (centrosome and spindle pole associated protein 1; plus strand). Cytogenetic location: 8q13.2.
Variant type: single nucleotide variant.
Coding change: c.965A>G on transcript NM_001382391.1 (MANE Select); coding-DNA position 965, A replaced by G.
Protein change: p.His322Arg; replaces histidine 322 with arginine.
Molecular consequence: missense variant. On other transcripts: intron variant (1).
Genome position (GRCh38, 1-based): chr8:67,103,078, A>G. VCF-style: chr8-67103078-A-G. GRCh37 (hg19) VCF-style: chr8-68015313-A-G.
Other names: c.110A>G, p.His37Arg (NM_001291339.2); c.884A>G, p.His295Arg (NM_001363131.2, NM_001363133.2); c.965A>G, p.His322Arg (NM_001363132.2); c.1073A>G, p.His358Arg (NM_001364869.1); c.992A>G, p.His331Arg (NM_024790.7); c.951-2827A>G (NM_001364870.1); short protein forms H322R, H295R, H331R, H358R, H37R.
Identifiers: ClinVar variation 674038 (VCV000674038.16), dbSNP rs141389465, ClinGen allele CA4770402.
Genomic context (GRCh38, chr8:67,103,078, plus strand): 5'-AAGCTAATGTGTTTTTAAGGATGCACAGGAACAAACGAGGGAATATGCCTCCTATGGAAC[A>G]TGATGGGGATGTTATAGAACAGTCAAACATAAGAATTTCATCTGCTGAAAATAAAAGGTA-3'
Protein context (NP_001369320.1, residues 312-332): NKRGNMPPME[His322Arg]DGDVIEQSNI